The following is an entry in ClinVar:

ClinVar aggregate classification (germline): Likely benign (1 of 4 stars; one submission).

Submissions (2):

CeGaT Center for Human Genetics Tuebingen
Classification: Likely benign. Last evaluated: 2026-08-01. Review status: criteria provided, single submitter. Criteria: CeGaT Center For Human Genetics Tuebingen Variant Classification Criteria Version 2. Collection method: clinical testing. Allele origin: germline. Affected: yes. Observed: 1 variant allele.
Comment: SRRM2: BP4, BP7

Dr. Peter K. Rogan Lab, Western University
No classification provided (evidence only). Condition: Colorectal cancer. Review status: no classification provided. Collection method: in vitro. Allele origin: not applicable. Functional consequence: retained intron. Not counted in ClinVar's aggregate classification.

NM_016333.4(SRRM2):c.4434C>T (p.Ser1478=)

Gene: SRRM2 (serine/arginine repetitive matrix 2; plus strand). Cytogenetic location: 16p13.3.
Variant type: single nucleotide variant.
Coding change: c.4434C>T on transcript NM_016333.4 (MANE Select); coding-DNA position 4434, C replaced by T.
Protein change: p.Ser1478=; no amino-acid change (serine 1478 retained).
Molecular consequence: synonymous variant.
Genome position (GRCh38, 1-based): chr16:2,764,962, C>T. VCF-style: chr16-2764962-C-T. GRCh37 (hg19) VCF-style: chr16-2814963-C-T.
Other names: NC_000016.9:g.2814963C>T.
Identifiers: ClinVar variation 4410194 (VCV004410194.2).